The following is an entry in ClinVar:

NM_001378454.1(ALMS1):c.1639_1640dup (p.Leu547_Thr548insTer)

Gene: ALMS1 (ALMS1 centrosome and basal body associated protein; plus strand). Cytogenetic location: 2p13.1.
Variant type: Duplication.
Coding change: c.1639_1640dup on transcript NM_001378454.1 (MANE Select); coding-DNA positions 1639 to 1640, 2 bases duplicated (CT; older notation c.1639_1640dupCT).
Protein change: p.Leu547_Thr548insTer.
Molecular consequence: frameshift variant.
Genome position (GRCh38, 1-based): chr2:73,448,166-73,448,167, CT duplicated; duplicating any 2 consecutive bases within chr2:73,448,165-73,448,167 gives the same sequence; the c. name uses the placement nearest the transcript's 3' end. VCF-style (leftmost placement, unchanged base first): chr2-73448164-A-ATC. GRCh37 (hg19) VCF-style: chr2-73675291-A-ATC.
Other names: c.1642_1643dupCT (NM_015120.4); c.1642_1643dup, p.Leu548_Thr549insTer (NM_015120.4).
Identifiers: ClinVar variation 4815772 (VCV004815772.1).

ClinVar aggregate classification (germline): Likely pathogenic (1 of 4 stars; one submission).

Conditions:
Alstrom syndrome (ALMS). Identifiers: Orphanet 64, MedGen C0268425, MONDO:0008763, OMIM 203800.

Submission:

Natera, Inc.
Classification: Likely pathogenic for Alstrom syndrome. Last evaluated: 2025-10-02. Review status: criteria provided, single submitter. Criteria: Natera Variant Classification Schema (03/2026). Collection method: clinical testing. Allele origin: germline.
Comment: The c.1642_1643dupCT variant in ALMS1 is a frameshift variant predicted to shift the reading frame and introduce a stop codon. This variant is expected to result in nonsense mediated decay, truncation, or a dysfunctional protein product. This variant is rare in the general population with a frequency below the threshold expected for the associated phenotype(s). Given the available evidence, this variant is classified as Likely Pathogenic.